The following is an entry in ClinVar:

NM_138459.5(NUS1):c.51T>A (p.Cys17Ter)

Gene: NUS1 (NUS1 dehydrodolichyl diphosphate synthase subunit; plus strand). Cytogenetic location: 6q22.1.
Variant type: single nucleotide variant.
Coding change: c.51T>A on transcript NM_138459.5 (MANE Select); coding-DNA position 51, T replaced by A.
Protein change: p.Cys17Ter; replaces cysteine 17 with a stop codon.
Molecular consequence: nonsense.
Genome position (GRCh38, 1-based): chr6:117,675,721, T>A. VCF-style: chr6-117675721-T-A. GRCh37 (hg19) VCF-style: chr6-117996884-T-A.
Other names: short protein forms C17*.
Identifiers: ClinVar variation 3377426 (VCV003377426.1).
Genomic context (GRCh38, chr6:117,675,721, plus strand): 5'-CCACAAGAGTATGACGGGGCTGTACGAGCTGGTGTGGCGGGTGCTGCACGCGCTGCTCTG[T>A]CTGCACCGCACGCTCACCTCCTGGCTCCGCGTTCGGTTCGGCACCTGGAACTGGATCTGG-3'

ClinVar aggregate classification (germline): Pathogenic (1 of 4 stars; one submission).

Conditions:
Congenital disorder of glycosylation, type Iaa. Also called: Congenital disorder of glycosylation, type 1aa. Identifiers: MedGen C4310727, MONDO:0014904, OMIM 617082.

Submission:

Victorian Clinical Genetics Services, Murdoch Childrens Research Institute
Classification: Pathogenic for Congenital disorder of glycosylation, type Iaa. Last evaluated: 2021-05-06. Review status: criteria provided, single submitter. Criteria: ACMG Guidelines, 2015. Collection method: clinical testing. Allele origin: germline. Inheritance: Autosomal dominant inheritance. Affected: yes.
Comment: Based on the classification scheme VCGS_Germline_v1.3.4, this variant is classified as Pathogenic. Following criteria are met: 0102 - Loss of function is a known mechanism of disease in this gene and is associated with congenital disorder of glycosylation, type 1aa (MIM#617082) and NUS1-related neurodevelopmental syndrome. (I) 0108 - This gene is associated with both recessive and dominant disease. A single homozygous missense variant has been reported to cause recessive disease (OMIM, PMID: 25066056), whereas all other variants have been reported in association with the dominant condition (PMID: 29100083, PMID: 31656175, PMID: 32485575). (I) 0201 - Variant is predicted to cause nonsense-mediated decay (NMD) and loss of protein (premature termination codon is located at least 54 nucleotides upstream of the final exon-exon junction). (SP) 0251 - This variant is heterozygous. (I) 0301 - Variant is absent from gnomAD (both v2 and v3). (SP) 0702 - Other NMD-predicted variants comparable to the one identified in this case have strong previous evidence for pathogenicity. These variants have been reported in de novo patients, or segregated within an affected family with epilepsy, ataxia, tremour and developmental delay (ClinVar, PMID: 29100083, PMID: 31656175, PMID: 32485575). (SP) 0807 - This variant has no previous evidence of pathogenicity. (I) 0905 - No published segregation evidence has been identified for this variant. (I) 1007 - No published functional evidence has been identified for this variant. (SP) Legend: (SP) - Supporting pathogenic, (I) - Information, (SB) - Supporting benign

Literature cited by the submitters: PubMed 25066056; PubMed 29100083; PubMed 31656175; PubMed 32485575.